The following is an entry in ClinVar:

NM_000057.4(BLM):c.2442G>T (p.Met814Ile)

Gene: BLM (BLM RecQ like helicase; plus strand). Cytogenetic location: 15q26.1.
Variant type: single nucleotide variant.
Coding change: c.2442G>T on transcript NM_000057.4 (MANE Select); coding-DNA position 2442, G replaced by T.
Protein change: p.Met814Ile; replaces methionine 814 with isoleucine.
Molecular consequence: missense variant.
Genome position (GRCh38, 1-based): chr15:90,769,473, G>T. VCF-style: chr15-90769473-G-T. GRCh37 (hg19) VCF-style: chr15-91312703-G-T.
Other names: c.2442G>T, p.Met814Ile (NM_001287246.2, NM_001287247.2); c.1317G>T, p.Met439Ile (NM_001287248.2); short protein forms M814I, M439I.
Identifiers: ClinVar variation 945659 (VCV000945659.11), dbSNP rs1896237351, ClinGen allele CA393845331.
Genomic context (GRCh38, chr15:90,769,473, plus strand): 5'-AAGCAGTATTTTTTTTTCCAACTAGTGGGGACATGATTTTCGTCAAGATTACAAAAGAAT[G>T]AATATGCTTCGCCAGAAGTTTCCTTCTGTTCCGGTGATGGCTCTTACGGCCACAGCTAAT-3'
Protein context (NP_000048.1, residues 804-824): GHDFRQDYKR[Met814Ile]NMLRQKFPSV

ClinVar aggregate classification (germline): Uncertain significance. Review status: criteria provided, multiple submitters, no conflicts (2 of 4 stars). 2 submissions from 2 submitters: Uncertain significance (2). Last evaluated 2025-10-11.

Conditions:
Bloom syndrome (BLM). Also called: Bloom-Torre-Machacek syndrome. Identifiers: Orphanet 125, MedGen C0005859, MONDO:0008876, OMIM 210900.
Hereditary cancer-predisposing syndrome. Also called: Neoplastic Syndromes, Hereditary; Hereditary Cancer Syndrome; Tumor predisposition; Hereditary neoplastic syndrome. Identifiers: Orphanet 140162, MedGen C0027672, MeSH D009386, MONDO:0015356.

Allele frequency attached by ClinVar (database versions not stated): gnomAD exomes below 0.00001.
gnomAD v4.1: 2 of 1,614,132 alleles (0.00012%); highest among the groups gnomAD compares: Non-Finnish European, 0.00017%; no homozygotes.

Submissions (2):

Ambry Genetics
Classification: Uncertain significance for Hereditary cancer-predisposing syndrome. Last evaluated: 2025-10-11. Review status: criteria provided, single submitter. Criteria: Ambry Variant Classification Scheme 2023. Collection method: clinical testing. Allele origin: germline.
Comment: The p.M814I variant (also known as c.2442G>T), located in coding exon 11 of the BLM gene, results from a G to T substitution at nucleotide position 2442. The methionine at codon 814 is replaced by isoleucine, an amino acid with highly similar properties. This amino acid position is conserved. In addition, this alteration is predicted to be tolerated by in silico analysis. Since supporting evidence is limited at this time, the clinical significance of this alteration remains unclear.

Labcorp Genetics (formerly Invitae), Labcorp
Classification: Uncertain significance for Bloom syndrome. Last evaluated: 2025-09-04. Review status: criteria provided, single submitter. Criteria: Invitae Variant Classification Sherloc (09022015). Collection method: clinical testing. Allele origin: germline.
Comment: This sequence change replaces methionine, which is neutral and non-polar, with isoleucine, which is neutral and non-polar, at codon 814 of the BLM protein (p.Met814Ile). This variant is not present in population databases (gnomAD no frequency). This variant has not been reported in the literature in individuals affected with BLM-related conditions. ClinVar contains an entry for this variant (Variation ID: 945659). Invitae Evidence Modeling of protein sequence and biophysical properties (such as structural, functional, and spatial information, amino acid conservation, physicochemical variation, residue mobility, and thermodynamic stability) indicates that this missense variant is not expected to disrupt BLM protein function with a negative predictive value of 80%. In summary, the available evidence is currently insufficient to determine the role of this variant in disease. Therefore, it has been classified as a Variant of Uncertain Significance.